The following is an entry in ClinVar:

NM_001365951.3(KIF1B):c.899A>G (p.Lys300Arg)

Gene: KIF1B (kinesin family member 1B; plus strand). Cytogenetic location: 1p36.22.
Variant type: single nucleotide variant.
Coding change: c.899A>G on transcript NM_001365951.3 (MANE Select); coding-DNA position 899, A replaced by G.
Protein change: p.Lys300Arg; replaces lysine 300 with arginine.
Molecular consequence: missense variant.
Genome position (GRCh38, 1-based): chr1:10,275,444, A>G. VCF-style: chr1-10275444-A-G. GRCh37 (hg19) VCF-style: chr1-10335502-A-G.
Other names: c.899A>G, p.Lys300Arg (NM_001365952.1); c.881A>G, p.Lys294Arg (NM_001365953.1, NM_015074.3, NM_183416.4); short protein forms K294R, K300R.
Identifiers: ClinVar variation 157531 (VCV000157531.48), dbSNP rs373698346, ClinGen allele CA270941.

ClinVar aggregate classification (germline): Conflicting classifications of pathogenicity. Review status: criteria provided, conflicting classifications (1 of 4 stars). 9 submissions from 9 submitters: Uncertain significance (4); Likely benign (4). 1 of the submissions does not count toward it. Last evaluated 2026-01-27.

Conditions:
KIF1B-related disorder. Also called: KIF1B-related condition.
Neuroblastoma, susceptibility to, 1. Identifiers: MedGen C2749485, MONDO:0009741, OMIM 256700.
Charcot-Marie-Tooth disease type 2A1. Also called: CHARCOT-MARIE-TOOTH DISEASE, AXONAL, TYPE 2A1; CHARCOT-MARIE-TOOTH DISEASE, AXONAL, AUTOSOMAL DOMINANT, TYPE 2A1; CHARCOT-MARIE-TOOTH DISEASE, NEURONAL, TYPE 2A1; CHARCOT-MARIE-TOOTH NEUROPATHY, TYPE 2A1; HEREDITARY MOTOR AND SENSORY NEUROPATHY IIA1. Identifiers: Orphanet 99946, MedGen C1861678, MONDO:0007308, OMIM 118210.
Charcot-Marie-Tooth disease. Also called: Charcot-Marie-Tooth Hereditary Neuropathy; Charcot-Marie-Tooth Neuropathy. Identifiers: Orphanet 166, MedGen C0007959, MONDO:0015626.
Charcot-Marie-Tooth disease type 2. Also called: Charcot-Marie-Tooth type 2. Identifiers: Orphanet 64746, MedGen C0270914, MONDO:0018993.

Allele frequency attached by ClinVar (database versions not stated): ESP Exome Variant Server 0.00008; TOPMed 0.00008; gnomAD 0.00009 and 0.00015; gnomAD exomes 0.00014 and 0.00021; ExAC 0.00022.
gnomAD v4.1: 212 of 1,585,132 alleles (0.013%); highest among the groups gnomAD compares: South Asian, 0.088%; 3 homozygotes.

Submissions (9):

PreventionGenetics, part of Exact Sciences
Classification: Likely benign for KIF1B-related condition. Last evaluated: 2026-01-27. Review status: criteria provided, single submitter. Criteria: ACMG Guidelines, 2015. Collection method: clinical testing. Allele origin: germline.
Comment: This variant is classified as likely benign based on ACMG/AMP sequence variant interpretation guidelines (Richards et al. 2015 PMID: 25741868, with internal and published modifications).

Labcorp Genetics (formerly Invitae), Labcorp
Classification: Uncertain significance for Charcot-Marie-Tooth disease type 2. Last evaluated: 2025-12-21. Review status: criteria provided, single submitter. Criteria: Invitae Variant Classification Sherloc (09022015). Collection method: clinical testing. Allele origin: germline.
Comment: This sequence change replaces lysine, which is basic and polar, with arginine, which is basic and polar, at codon 294 of the KIF1B protein (p.Lys294Arg). This variant is present in population databases (rs373698346, gnomAD 0.08%), and has an allele count higher than expected for a pathogenic variant. This missense change has been observed in individual(s) with Charcot-Marie-Tooth (CMT) disease (PMID: 25025039, 32376792; internal data). ClinVar contains an entry for this variant (Variation ID: 157531). Invitae Evidence Modeling of protein sequence and biophysical properties (such as structural, functional, and spatial information, amino acid conservation, physicochemical variation, residue mobility, and thermodynamic stability) indicates that this missense variant is not expected to disrupt KIF1B protein function with a negative predictive value of 80%. In summary, the available evidence is currently insufficient to determine the role of this variant in disease. Therefore, it has been classified as a Variant of Uncertain Significance.

ARUP Laboratories, Molecular Genetics and Genomics, ARUP Laboratories
Classification: Uncertain significance. Last evaluated: 2024-10-30. Review status: criteria provided, single submitter. Criteria: ARUP Molecular Germline Variant Investigation Process 2024. Collection method: clinical testing. Allele origin: germline.
Comment: The KIF1B c.881A>G; p.Lys294Arg variant (rs373698346) is reported in the literature in several individuals affected with Charcot-Marie-Tooth disease, although it was not demonstrated to be disease-causing (Hoyer 2014, Volodarsky 2021). This variant is found in the South Asian population with an allele frequency of 0.085% (26/30,588 alleles) in the Genome Aggregation Database (v2.1.1). Computational analyses are uncertain whether this variant is neutral or deleterious (REVEL: 0.464). Due to limited information, the clinical significance of this variant is uncertain at this time. References: Hoyer H et al. Genetic diagnosis of Charcot-Marie-Tooth disease in a population by next-generation sequencing. Biomed Res Int. 2014;2014:210401. PMID: 25025039. Volodarsky M et al. Comprehensive genetic sequence and copy number analysis for Charcot-Marie-Tooth disease in a Canadian cohort of 2517 patients. J Med Genet. 2021 Apr;58(4):284-288. PMID: 32376792.

Fulgent Genetics
Classification: Likely benign for Charcot-Marie-Tooth disease type 2A1; Neuroblastoma, susceptibility to, 1. Last evaluated: 2024-06-18. Review status: criteria provided, single submitter. Criteria: ACMG Guidelines, 2015. Collection method: clinical testing. Allele origin: germline.

Institute for Clinical Genetics, University Hospital TU Dresden, University Hospital TU Dresden
Classification: Uncertain significance. Last evaluated: 2021-11-03. Review status: criteria provided, single submitter. Criteria: ACMG Guidelines, 2015. Collection method: clinical testing. Allele origin: germline.

CeGaT Center for Human Genetics Tuebingen
Classification: Likely benign. Last evaluated: 2021-03-01. Review status: criteria provided, single submitter. Criteria: CeGaT Center For Human Genetics Tuebingen Variant Classification Criteria Version 2. Collection method: clinical testing. Allele origin: germline. Affected: yes. Observed: 1 variant allele.

Ambry Genetics
Classification: Likely benign. Last evaluated: 2020-09-02. Review status: criteria provided, single submitter. Criteria: Ambry Variant Classification Scheme 2023. Collection method: clinical testing. Allele origin: germline.

Molecular Genetics Laboratory, London Health Sciences Centre
Classification: Uncertain significance for Charcot-Marie-Tooth disease. Review status: criteria provided, single submitter. Criteria: ACMG Guidelines, 2015. Collection method: clinical testing. Allele origin: germline. Affected: yes.

Dept. of Medical Genetics, Telemark Hospital Trust, Telemark Hospital Trust
Classification: Likely pathogenic for Charcot-Marie-Tooth disease. Last evaluated: 2013-11-01. Review status: no assertion criteria provided. Collection method: research. Allele origin: unknown. Affected: yes. Study: Charcot-Marie-Tooth disease study. Not counted in ClinVar's aggregate classification.
Comment: Populational based study of Charcot-Marie-Tooth disease in Norway

Literature cited by the submitters: PubMed 25025039 (cited by Labcorp Genetics (formerly Invitae), Labcorp and Dept. of Medical Genetics, Telemark Hospital Trust, Telemark Hospital Trust); PubMed 32376792 (cited by Labcorp Genetics (formerly Invitae), Labcorp); PMC 4306395 (cited by Dept. of Medical Genetics, Telemark Hospital Trust, Telemark Hospital Trust).